The following is an entry in ClinVar:

NM_005461.5(MAFB):c.745C>G (p.Arg249Gly)

Gene: MAFB (MAF bZIP transcription factor B; minus strand). Cytogenetic location: 20q12.
Variant type: single nucleotide variant.
Coding change: c.745C>G on transcript NM_005461.5 (MANE Select); coding-DNA position 745, C replaced by G.
Protein change: p.Arg249Gly; replaces arginine 249 with glycine.
Molecular consequence: missense variant.
Genome position (GRCh38, 1-based): chr20:40,688,106, G>C on the plus strand (C>G on the coding strand, the complement: MAFB is on the minus strand). VCF-style: chr20-40688106-G-C. GRCh37 (hg19) VCF-style: chr20-39316746-G-C.
Other names: short protein forms R249G.
Identifiers: ClinVar variation 2630087 (VCV002630087.1), dbSNP rs561320614, ClinGen allele CA408940494.

ClinVar aggregate classification (germline): Likely pathogenic (1 of 4 stars; one submission).

Conditions:
MAFB-related disorder. Also called: MAFB-related condition.

Submission:

PreventionGenetics, part of Exact Sciences
Classification: Likely pathogenic for MAFB-related condition. Last evaluated: 2023-05-18. Review status: criteria provided, single submitter. Criteria: ACMG Guidelines, 2015. Collection method: clinical testing. Allele origin: germline.
Comment: The MAFB c.745C>G variant is predicted to result in the amino acid substitution p.Arg249Gly. To our knowledge, this variant has not been reported in the literature or in a large population database, indicating this variant is rare. This variant is interpreted as likely pathogenic.